The following is an entry in ClinVar:

NM_002471.4(MYH6):c.2558C>T (p.Thr853Ile)

Gene: MYH6 (myosin heavy chain 6; minus strand). Cytogenetic location: 14q11.2.
Variant type: single nucleotide variant.
Coding change: c.2558C>T on transcript NM_002471.4 (MANE Select); coding-DNA position 2558, C replaced by T.
Protein change: p.Thr853Ile; replaces threonine 853 with isoleucine.
Molecular consequence: missense variant.
Genome position (GRCh38, 1-based): chr14:23,394,195, G>A on the plus strand (C>T on the coding strand, the complement: MYH6 is on the minus strand). VCF-style: chr14-23394195-G-A. GRCh37 (hg19) VCF-style: chr14-23863404-G-A.
Other names: short protein forms T853I.
Identifiers: ClinVar variation 3400882 (VCV003400882.1).

ClinVar aggregate classification (germline): Uncertain significance (1 of 4 stars; one submission).

Conditions:
Cardiovascular phenotype. Identifiers: MedGen CN230736.

Submission:

Ambry Genetics
Classification: Uncertain significance for Cardiovascular phenotype. Last evaluated: 2024-10-27. Review status: criteria provided, single submitter. Criteria: Ambry Variant Classification Scheme 2023. Collection method: clinical testing. Allele origin: germline.
Comment: The p.T853I variant (also known as c.2558C>T), located in coding exon 19 of the MYH6 gene, results from a C to T substitution at nucleotide position 2558. The threonine at codon 853 is replaced by isoleucine, an amino acid with similar properties. This amino acid position is conserved. In addition, this alteration is predicted to be tolerated by in silico analysis. Based on the available evidence, the clinical significance of this variant remains unclear.